The following is an entry in ClinVar:

NM_000307.5(POU3F4):c.403_404dup (p.Gln136fs)

Gene: POU3F4 (POU class 3 homeobox 4; plus strand). Cytogenetic location: Xq21.1.
Variant type: Duplication.
Coding change: c.403_404dup on transcript NM_000307.5 (MANE Select); coding-DNA positions 403 to 404, 2 bases duplicated (TC; older notation c.403_404dupTC).
Protein change: p.Gln136fs; shifts the reading frame from glutamine 136.
Molecular consequence: frameshift variant.
Genome position (GRCh38, 1-based): chrX:83,508,727-83,508,728, TC duplicated; duplicating any 2 consecutive bases within chrX:83,508,726-83,508,728 gives the same sequence; the c. name uses the placement nearest the transcript's 3' end. VCF-style (leftmost placement, unchanged base first): chrX-83508725-A-ACT. GRCh37 (hg19) VCF-style: chrX-82763733-A-ACT.
Other names: short protein forms Q136fs.
Identifiers: ClinVar variation 3601660 (VCV003601660.1).

ClinVar aggregate classification (germline): Pathogenic (1 of 4 stars; one submission).

Conditions:
X-linked mixed hearing loss with perilymphatic gusher. Also called: Deafness, X-linked 2; NANCE DEAFNESS; PERILYMPHATIC GUSHER-DEAFNESS SYNDROME; SENSORINEURAL DEAFNESS, PROFOUND, WITH OR WITHOUT A CONDUCTIVE COMPONENT, ASSOCIATED WITH A UNIQUE DEVELOPMENTAL ABNORMALITY OF THE EAR; Gusher syndrome. Identifiers: Orphanet 383, MedGen C1844678, MONDO:0010576, OMIM 304400.

Submission:

Institute of Rare Diseases, West China Hospital, Sichuan University
Classification: Pathogenic for X-linked mixed hearing loss with perilymphatic gusher. Last evaluated: 2025-01-09. Review status: criteria provided, single submitter. Criteria: ClinGen HL ACMG Specifications v1. Collection method: research. Allele origin: germline. Affected: yes.
Comment: PVS1;PM3_Supporting;PM2_Supporting